The following is an entry in ClinVar:

NM_000506.5(F2):c.1786C>T (p.Arg596Trp)

Gene: F2 (coagulation factor II, thrombin; plus strand). Cytogenetic location: 11p11.2.
Variant type: single nucleotide variant.
Coding change: c.1786C>T on transcript NM_000506.5 (MANE Select); coding-DNA position 1786, C replaced by T.
Protein change: p.Arg596Trp; replaces arginine 596 with tryptophan.
Molecular consequence: missense variant.
Genome position (GRCh38, 1-based): chr11:46,739,325, C>T. VCF-style: chr11-46739325-C-T. GRCh37 (hg19) VCF-style: chr11-46760875-C-T.
Other names: short protein forms R596W.
Identifiers: ClinVar variation 2735586 (VCV002735586.3), dbSNP rs1183827513, ClinGen allele CA380259621.

ClinVar aggregate classification (germline): Pathogenic (1 of 4 stars; one submission).

Conditions:
Congenital prothrombin deficiency. Also called: Inherited hypoprothrombinemia; Congenital factor II deficiency; Inherited prothrombin deficiency; Factor II deficiency; HYPOPROTHROMBINEMIA; Hereditary factor II deficiency disease. Identifiers: Orphanet 325, MedGen C0272317, MONDO:0013361, OMIM 613679.

Allele frequency attached by ClinVar (database versions not stated): gnomAD exomes 0.00001; TOPMed 0.00001.
gnomAD v4.1: 7 of 1,614,018 alleles (0.00043%); highest among the groups gnomAD compares: Non-Finnish European, 0.00051%; no homozygotes.

Submission:

Labcorp Genetics (formerly Invitae), Labcorp
Classification: Pathogenic for Congenital prothrombin deficiency. Last evaluated: 2023-06-20. Review status: criteria provided, single submitter. Criteria: Invitae Variant Classification Sherloc (09022015). Collection method: clinical testing. Allele origin: germline.
Comment: This missense change has been observed in individuals with autosomal dominant prothrombin-related thrombophilia (PMID: 27013614). It has also been observed to segregate with disease in related individuals. This variant is not present in population databases (gnomAD no frequency). This sequence change replaces arginine, which is basic and polar, with tryptophan, which is neutral and slightly polar, at codon 596 of the F2 protein (p.Arg596Trp). Advanced modeling of protein sequence and biophysical properties (such as structural, functional, and spatial information, amino acid conservation, physicochemical variation, residue mobility, and thermodynamic stability) performed at Invitae indicates that this missense variant is expected to disrupt F2 protein function. For these reasons, this variant has been classified as Pathogenic. This variant disrupts the p.Arg596 amino acid residue in F2. Other variant(s) that disrupt this residue have been determined to be pathogenic (PMID: 28075532, 35945029). This suggests that this residue is clinically significant, and that variants that disrupt this residue are likely to be disease-causing. Experimental studies have shown that this missense change affects F2 function (PMID: 27604259).

Literature cited by the submitters: PubMed 27013614; PubMed 28075532; PubMed 35945029; PubMed 27604259.